The following is an entry in ClinVar:

ClinVar aggregate classification (germline): Uncertain significance (1 of 4 stars; one submission).

Conditions:
Tuberous sclerosis 2 (TSC2). Identifiers: Orphanet 805, MedGen C1860707, MONDO:0013199, OMIM 613254.

Submission:

Labcorp Genetics (formerly Invitae), Labcorp
Classification: Uncertain significance for Tuberous sclerosis 2. Last evaluated: 2018-12-18. Review status: criteria provided, single submitter. Criteria: Invitae Variant Classification Sherloc (09022015). Collection method: clinical testing. Allele origin: germline.
Comment: This variant results in a copy number gain of the genomic region encompassing the full coding sequence of the TSC2 gene. The boundaries of this event are unknown as they extend beyond the assayed region for this gene and therefore may encompass additional genes. As the precise location of this event is unknown, it may be in tandem or it may be located elsewhere in the genome. This variant has not been reported in the literature in individuals with TSC2-related disease. In summary, the available evidence is currently insufficient to determine the role of this variant in disease. Therefore, it has been classified as a Variant of Uncertain Significance.

NC_000016.9:g.(?_2089915)_(2138621_?)dup

Genes: NTHL1 (nth like DNA glycosylase 1; minus strand), TSC2 (TSC complex subunit 2; plus strand), LOC130058209 (ATAC-STARR-seq lymphoblastoid active region 10253; plus strand), LOC130058210 (ATAC-STARR-seq lymphoblastoid silent region 7024; plus strand). Cytogenetic location: 16p13.3.
Variant type: Duplication.
Identifiers: ClinVar variation 642056 (VCV000642056.1).